The following is an entry in ClinVar:

NM_001283009.2(RTEL1):c.2020G>T (p.Gly674Cys)

Genes: RTEL1-TNFRSF6B (RTEL1-TNFRSF6B readthrough (NMD candidate); plus strand), RTEL1 (regulator of telomere elongation helicase 1; plus strand). Cytogenetic location: 20q13.33.
Variant type: single nucleotide variant.
Coding change: c.2020G>T on transcript NM_001283009.2 (MANE Select); coding-DNA position 2020, G replaced by T.
Protein change: p.Gly674Cys; replaces glycine 674 with cysteine.
Molecular consequence: missense variant. On other transcripts: non-coding transcript variant (1).
Genome position (GRCh38, 1-based): chr20:63,689,643, G>T. VCF-style: chr20-63689643-G-T. GRCh37 (hg19) VCF-style: chr20-62320996-G-T.
Other names: c.1351G>T, p.Gly451Cys (NM_001283010.1); c.2020G>T, p.Gly674Cys (NM_016434.4); c.2092G>T, p.Gly698Cys (NM_032957.5); short protein forms G451C, G674C, G698C.
Identifiers: ClinVar variation 1312555 (VCV001312555.4), dbSNP rs747831615, ClinGen allele CA9965103.

ClinVar aggregate classification (germline): Uncertain significance. Review status: criteria provided, multiple submitters, no conflicts (2 of 4 stars). 3 submissions from 3 submitters: Uncertain significance (3). Last evaluated 2024-10-15.

Conditions:
Inborn genetic diseases. Identifiers: MedGen C0950123, MeSH D030342.
Dyskeratosis congenita, autosomal recessive 5 (DKCB5). Identifiers: MedGen C3554656, MONDO:0014076, OMIM 615190.
Pulmonary fibrosis and/or bone marrow failure, Telomere-related, 3. Also called: PULMONARY FIBROSIS AND/OR BONE MARROW FAILURE SYNDROME, TELOMERE-RELATED, 3. Identifiers: Orphanet 2032, MedGen C4225346, MONDO:0014613, OMIM 616373.

Allele frequency attached by ClinVar (database versions not stated): ExAC 0.00001; gnomAD exomes 0.00001.
gnomAD v4.1: 9 of 1,608,744 alleles (0.00056%); highest among the groups gnomAD compares: South Asian, 0.0088%; no homozygotes.

Submissions (3):

Ambry Genetics
Classification: Uncertain significance for Inborn genetic diseases. Last evaluated: 2024-10-15. Review status: criteria provided, single submitter. Criteria: Ambry Variant Classification Scheme 2023. Collection method: clinical testing. Allele origin: germline.
Comment: The p.G674C variant (also known as c.2020G>T), located in coding exon 22 of the RTEL1 gene, results from a G to T substitution at nucleotide position 2020. The glycine at codon 674 is replaced by cysteine, an amino acid with highly dissimilar properties. This amino acid position is conserved. In addition, this alteration is predicted to be tolerated by in silico analysis. Based on the available evidence, the clinical significance of this variant remains unclear.

Labcorp Genetics (formerly Invitae), Labcorp
Classification: Uncertain significance for Dyskeratosis congenita, autosomal recessive 5; Pulmonary fibrosis and/or bone marrow failure, Telomere-related, 3. Last evaluated: 2022-05-04. Review status: criteria provided, single submitter. Criteria: Invitae Variant Classification Sherloc (09022015). Collection method: clinical testing. Allele origin: germline.
Comment: This sequence change replaces glycine, which is neutral and non-polar, with cysteine, which is neutral and slightly polar, at codon 674 of the RTEL1 protein (p.Gly674Cys). This variant is present in population databases (rs747831615, gnomAD 0.007%). This variant has not been reported in the literature in individuals affected with RTEL1-related conditions. ClinVar contains an entry for this variant (Variation ID: 1312555). Algorithms developed to predict the effect of missense changes on protein structure and function are either unavailable or do not agree on the potential impact of this missense change (SIFT: "Tolerated"; PolyPhen-2: "Possibly Damaging"; Align-GVGD: "Class C0"). In summary, the available evidence is currently insufficient to determine the role of this variant in disease. Therefore, it has been classified as a Variant of Uncertain Significance.

GeneDx
Classification: Uncertain significance. Last evaluated: 2020-03-11. Review status: criteria provided, single submitter. Criteria: GeneDx Variant Classification Process June 2021. Collection method: clinical testing. Allele origin: germline. Affected: yes.
Comment: In silico analysis supports that this missense variant has a deleterious effect on protein structure/function; Has not been previously published as pathogenic or benign to our knowledge